The following is an entry in ClinVar:

ClinVar aggregate classification (germline): Likely pathogenic (1 of 4 stars; one submission).

Conditions:
Dilated cardiomyopathy 1O (CMD1O). Also called: CARDIOMYOPATHY, DILATED, WITH VENTRICULAR TACHYCARDIA. Identifiers: Orphanet 154, MedGen C1837839, MONDO:0012062, OMIM 608569.

Allele frequency attached by ClinVar (database versions not stated): gnomAD exomes below 0.00001.
gnomAD v4.1: 4 of 1,610,322 alleles (0.00025%); highest among the groups gnomAD compares: Non-Finnish European, 0.00034%; no homozygotes.

Submission:

Labcorp Genetics (formerly Invitae), Labcorp
Classification: Likely pathogenic for Dilated cardiomyopathy 1O. Last evaluated: 2025-11-22. Review status: criteria provided, single submitter. Criteria: Invitae Variant Classification Sherloc (09022015). Collection method: clinical testing. Allele origin: germline.
Comment: This sequence change affects a donor splice site in intron 7 of the ABCC9 gene. It is expected to disrupt RNA splicing. Variants that disrupt the donor or acceptor splice site typically lead to a loss of protein function (PMID: 16199547), and loss-of-function variants in ABCC9 are known to be pathogenic (PMID: 31575858, 38217872). This variant is not present in population databases (gnomAD no frequency). This variant has not been reported in the literature in individuals affected with ABCC9-related conditions. ClinVar contains an entry for this variant (Variation ID: 1499130). Algorithms developed to predict the effect of sequence changes on RNA splicing suggest that this variant may disrupt the consensus splice site. In summary, the currently available evidence indicates that the variant is pathogenic, but additional data are needed to prove that conclusively. Therefore, this variant has been classified as Likely Pathogenic.

Literature cited by the submitters: PubMed 16199547; PubMed 31575858; PubMed 38217872.

NM_020297.4(ABCC9):c.1164+1G>T

Gene: ABCC9 (ATP binding cassette subfamily C member 9; minus strand). Cytogenetic location: 12p12.1.
Variant type: single nucleotide variant.
Coding change: c.1164+1G>T on transcript NM_020297.4 (MANE Select); the canonical splice donor site of the intron after coding-DNA position 1164, G replaced by T.
Molecular consequence: splice donor variant.
Genome position (GRCh38, 1-based): chr12:21,910,825, C>A on the plus strand (G>T on the coding strand, the complement: ABCC9 is on the minus strand). VCF-style: chr12-21910825-C-A. GRCh37 (hg19) VCF-style: chr12-22063759-C-A.
Other names: c.300+1G>T (NM_001377274.1); c.1164+1G>T (NM_005691.4, NM_001377273.1).
Identifiers: ClinVar variation 1499130 (VCV001499130.8), dbSNP rs2137874802, ClinGen allele CA384119182.